The following is an entry in ClinVar:

NM_000719.7(CACNA1C):c.6035G>A (p.Arg2012Gln)

Genes: CACNA1C (calcium voltage-gated channel subunit alpha1 C; plus strand), CACNA1C-AS1 (CACNA1C antisense RNA 1; minus strand). Cytogenetic location: 12p13.33.
Variant type: single nucleotide variant.
Coding change: c.6035G>A on transcript NM_000719.7 (MANE Select); coding-DNA position 6035, G replaced by A.
Protein change: p.Arg2012Gln; replaces arginine 2012 with glutamine.
Molecular consequence: missense variant.
Genome position (GRCh38, 1-based): chr12:2,688,697, G>A. VCF-style: chr12-2688697-G-A. GRCh37 (hg19) VCF-style: chr12-2797863-G-A.
Other names: c.6179G>A, p.Arg2060Gln (NM_001129827.2); c.6158G>A, p.Arg2053Gln (NM_001129829.2); c.6140G>A, p.Arg2047Gln (NM_001129830.3, NM_001167624.3); c.6092G>A, p.Arg2031Gln (NM_001129835.2, NM_001129833.2, NM_001129834.2); c.6086G>A, p.Arg2029Gln (NM_001129836.2); c.6059G>A, p.Arg2020Gln (NM_001129837.2, NM_001129838.2); c.6053G>A, p.Arg2018Gln (NM_001129839.2); c.6035G>A, p.Arg2012Gln (NM_001129840.2, NM_001129841.2, NM_001129842.2 and 2 more transcripts); and 7 more; short protein forms R2020Q, R2029Q, R2060Q, R2018Q, R2031Q, R2047Q, R2072Q, R2001Q.
Identifiers: ClinVar variation 1369521 (VCV001369521.9), dbSNP rs772606843, ClinGen allele CA6390061.

ClinVar aggregate classification (germline): Conflicting classifications of pathogenicity. Review status: criteria provided, conflicting classifications (1 of 4 stars). 2 submissions from 2 submitters: Uncertain significance (1); Likely benign (1). Last evaluated 2026-06-30.

Conditions:
Cardiovascular phenotype. Identifiers: MedGen CN230736.
Long QT syndrome (LQTS). Identifiers: MedGen C0023976, MeSH D008133, MONDO:0002442. Disease mechanism: loss of function. Inheritance: Various modes of inheritance.

Allele frequency attached by ClinVar (database versions not stated): TOPMed below 0.00001; ExAC 0.00001; gnomAD exomes below 0.00001.
gnomAD v4.1: 6 of 1,611,830 alleles (0.00037%); highest among the groups gnomAD compares: South Asian, 0.0011%; no homozygotes.

Submissions (2):

Ambry Genetics
Classification: Uncertain significance for Cardiovascular phenotype. Last evaluated: 2026-06-30. Review status: criteria provided, single submitter. Criteria: Ambry Variant Classification Scheme 2023. Collection method: clinical testing. Allele origin: germline.
Comment: The p.R2012Q variant (also known as c.6035G>A), located in coding exon 46 of the CACNA1C gene, results from a G to A substitution at nucleotide position 6035. The arginine at codon 2012 is replaced by glutamine, an amino acid with highly similar properties. This amino acid position is well conserved in available vertebrate species. In addition, this alteration is predicted to be tolerated by in silico analysis. Based on the available evidence, the clinical significance of this variant remains unclear.

Labcorp Genetics (formerly Invitae), Labcorp
Classification: Likely benign for Long QT syndrome. Last evaluated: 2024-03-24. Review status: criteria provided, single submitter. Criteria: Invitae Variant Classification Sherloc (09022015). Collection method: clinical testing. Allele origin: germline.